The following is an entry in ClinVar:

NM_001166114.2(PNPLA6):c.1853C>T (p.Ala618Val)

Gene: PNPLA6 (patatin like domain 6, lysophospholipase; plus strand). Cytogenetic location: 19p13.2.
Variant type: single nucleotide variant.
Coding change: c.1853C>T on transcript NM_001166114.2 (MANE Select); coding-DNA position 1853, C replaced by T.
Protein change: p.Ala618Val; replaces alanine 618 with valine.
Molecular consequence: missense variant.
Genome position (GRCh38, 1-based): chr19:7,550,336, C>T. VCF-style: chr19-7550336-C-T. GRCh37 (hg19) VCF-style: chr19-7615222-C-T.
Other names: c.1880C>T, p.Ala627Val (NM_001166111.2); c.1658C>T, p.Ala553Val (NM_001166112.2); c.1736C>T, p.Ala579Val (NM_001166113.1, NM_006702.5); short protein forms A618V, A627V, A553V, A579V.
Identifiers: ClinVar variation 807470 (VCV000807470.22), dbSNP rs568356836, ClinGen allele CA9139954.

ClinVar aggregate classification (germline): Conflicting classifications of pathogenicity. Review status: criteria provided, conflicting classifications (1 of 4 stars). 3 submissions from 3 submitters: Likely pathogenic (2); Uncertain significance (1). Last evaluated 2025-04-16.

Conditions:
Ataxia-hypogonadism-choroidal dystrophy syndrome (BNHS). Also called: Boucher-Neuhäuser Syndrome (BNS); Chorioretinal dystrophy, spinocerebellar ataxia and hypogonadotropic hypogonadism. Identifiers: Orphanet 1180, MedGen C1859093, MONDO:0008980, OMIM 215470.
Hereditary spastic paraplegia 39 (SPG39). Also called: Spastic Paraplegia Type 39 (SPG39); SPASTIC PARAPLEGIA 39, AUTOSOMAL RECESSIVE. Identifiers: Orphanet 139480, MedGen C2677586, MONDO:0012787, OMIM 612020.

Allele frequency attached by ClinVar (database versions not stated): gnomAD 0.00001 and 0.00002; gnomAD exomes 0.00001; TOPMed 0.00001; ExAC 0.00002; 1000 Genomes Project 30x 0.00016; 1000 Genomes Project 0.00020.
gnomAD v4.1: 6 of 1,612,604 alleles (0.00037%); highest among the groups gnomAD compares: South Asian, 0.0011%; no homozygotes.

Submissions (3):

Labcorp Genetics (formerly Invitae), Labcorp
Classification: Uncertain significance for Hereditary spastic paraplegia 39. Last evaluated: 2025-04-16. Review status: criteria provided, single submitter. Criteria: Invitae Variant Classification Sherloc (09022015). Collection method: clinical testing. Allele origin: germline.
Comment: This sequence change replaces alanine, which is neutral and non-polar, with valine, which is neutral and non-polar, at codon 579 of the PNPLA6 protein (p.Ala579Val). This variant is present in population databases (rs568356836, gnomAD 0.003%). This missense change has been observed in individual(s) with PNPLA6-related conditions (PMID: 34445196). ClinVar contains an entry for this variant (Variation ID: 807470). Invitae Evidence Modeling of protein sequence and biophysical properties (such as structural, functional, and spatial information, amino acid conservation, physicochemical variation, residue mobility, and thermodynamic stability) indicates that this missense variant is not expected to disrupt PNPLA6 protein function with a negative predictive value of 80%. In summary, the available evidence is currently insufficient to determine the role of this variant in disease. Therefore, it has been classified as a Variant of Uncertain Significance.

Institute of Human Genetics Munich, TUM University Hospital
Classification: Likely pathogenic for Hereditary spastic paraplegia 39. Last evaluated: 2025-02-26. Review status: criteria provided, single submitter. Criteria: Classification criteria August 2017. Collection method: clinical testing. Allele origin: germline. Inheritance: Autosomal recessive inheritance. Affected: yes. Observed: 1 variant allele.

Molecular Medicine for Neurodegenerative and Neuromuscular Diseases Unit, IRCCS Fondazione Stella Maris
Classification: Likely pathogenic for Ataxia-hypogonadism-choroidal dystrophy syndrome. Last evaluated: 2021-07-12. Review status: criteria provided, single submitter. Criteria: ACMG Guidelines, 2015. Collection method: research. Allele origin: inherited. Affected: yes.

Literature cited by the submitters: PubMed 34445196 (cited by Labcorp Genetics (formerly Invitae), Labcorp).